The following is an entry in ClinVar:

NM_000548.5(TSC2):c.1522G>A (p.Ala508Thr)

Gene: TSC2 (TSC complex subunit 2; plus strand). Cytogenetic location: 16p13.3.
Variant type: single nucleotide variant.
Coding change: c.1522G>A on transcript NM_000548.5 (MANE Select); coding-DNA position 1522, G replaced by A.
Protein change: p.Ala508Thr; replaces alanine 508 with threonine.
Molecular consequence: missense variant.
Genome position (GRCh38, 1-based): chr16:2,064,350, G>A. VCF-style: chr16-2064350-G-A. GRCh37 (hg19) VCF-style: chr16-2114351-G-A.
Other names: c.1522G>A, p.Ala508Thr (NM_001077183.3, NM_001114382.3, NM_001363528.2 and 3 more transcripts); c.1411G>A, p.Ala471Thr (NM_001318827.2); c.1375G>A, p.Ala459Thr (NM_001318829.2); c.922G>A, p.Ala308Thr (NM_001318831.2); c.1555G>A, p.Ala519Thr (NM_001318832.2); short protein forms A308T, A459T, A471T, A519T, A508T.
Identifiers: ClinVar variation 1034894 (VCV001034894.8), dbSNP rs2087020192, ClinGen allele CA394326226.

ClinVar aggregate classification (germline): Uncertain significance (1 of 4 stars; one submission).

Conditions:
Tuberous sclerosis 2 (TSC2). Identifiers: Orphanet 805, MedGen C1860707, MONDO:0013199, OMIM 613254.

Submission:

Labcorp Genetics (formerly Invitae), Labcorp
Classification: Uncertain significance for Tuberous sclerosis 2. Last evaluated: 2020-05-04. Review status: criteria provided, single submitter. Criteria: Invitae Variant Classification Sherloc (09022015). Collection method: clinical testing. Allele origin: germline.
Comment: In summary, the available evidence is currently insufficient to determine the role of this variant in disease. Therefore, it has been classified as a Variant of Uncertain Significance. Algorithms developed to predict the effect of missense changes on protein structure and function are either unavailable or do not agree on the potential impact of this missense change (SIFT: "Tolerated"; PolyPhen-2: "Probably Damaging"; Align-GVGD: "Class C0"). This variant has not been reported in the literature in individuals with TSC2-related conditions. This variant is not present in population databases (ExAC no frequency). This sequence change replaces alanine with threonine at codon 508 of the TSC2 protein (p.Ala508Thr). The alanine residue is highly conserved and there is a small physicochemical difference between alanine and threonine.